The following is an entry in ClinVar:

NM_001079843.3(CASZ1):c.2260G>A (p.Ala754Thr)

Gene: CASZ1 (castor zinc finger 1; minus strand). Cytogenetic location: 1p36.22.
Variant type: single nucleotide variant.
Coding change: c.2260G>A on transcript NM_001079843.3 (MANE Select); coding-DNA position 2260, G replaced by A.
Protein change: p.Ala754Thr; replaces alanine 754 with threonine.
Molecular consequence: missense variant.
Genome position (GRCh38, 1-based): chr1:10,653,797, C>T on the plus strand (G>A on the coding strand, the complement: CASZ1 is on the minus strand). VCF-style: chr1-10653797-C-T. GRCh37 (hg19) VCF-style: chr1-10713854-C-T.
Other names: c.2260G>A, p.Ala754Thr (NM_017766.5); short protein forms A754T.
Identifiers: ClinVar variation 2057073 (VCV002057073.7), dbSNP rs139347543, ClinGen allele CA584906.

ClinVar aggregate classification (germline): Likely benign. Review status: criteria provided, multiple submitters, no conflicts (2 of 4 stars). 3 submissions from 3 submitters: Likely benign (3). Last evaluated 2026-04-01.

Allele frequency attached by ClinVar (database versions not stated): gnomAD exomes 0.00014; ESP Exome Variant Server 0.00023; ExAC 0.00047; 1000 Genomes Project 0.00060; 1000 Genomes Project 30x 0.00062.
gnomAD v4.1: 237 of 1,609,418 alleles (0.015%); highest among the groups gnomAD compares: Admixed American, 0.25%; 3 homozygotes.

Submissions (3):

CeGaT Center for Human Genetics Tuebingen
Classification: Likely benign. Last evaluated: 2026-04-01. Review status: criteria provided, single submitter. Criteria: CeGaT Center For Human Genetics Tuebingen Variant Classification Criteria Version 2. Collection method: clinical testing. Allele origin: germline. Affected: yes. Observed: 1 variant allele.
Comment: CASZ1: BP4, BS1

Labcorp Genetics (formerly Invitae), Labcorp
Classification: Likely benign. Last evaluated: 2024-12-31. Review status: criteria provided, single submitter. Criteria: Invitae Variant Classification Sherloc (09022015). Collection method: clinical testing. Allele origin: germline.

Blueprint Genetics
Classification: Likely benign. Last evaluated: 2023-11-22. Review status: criteria provided, single submitter. Criteria: ACMG Guidelines, 2015. Collection method: clinical testing. Allele origin: germline.